The following is an entry in ClinVar:

NM_002857.4(PEX19):c.94G>T (p.Ala32Ser)

Gene: PEX19 (peroxisomal biogenesis factor 19; minus strand). Cytogenetic location: 1q23.2.
Variant type: single nucleotide variant.
Coding change: c.94G>T on transcript NM_002857.4 (MANE Select); coding-DNA position 94, G replaced by T.
Protein change: p.Ala32Ser; replaces alanine 32 with serine.
Molecular consequence: missense variant. On other transcripts: non-coding transcript variant (1).
Genome position (GRCh38, 1-based): chr1:160,283,616, C>A on the plus strand (G>T on the coding strand, the complement: PEX19 is on the minus strand). VCF-style: chr1-160283616-C-A. GRCh37 (hg19) VCF-style: chr1-160253406-C-A.
Other names: c.94G>T, p.Ala32Ser (NM_001193644.1); short protein forms A32S.
Identifiers: ClinVar variation 2093256 (VCV002093256.4), dbSNP rs1435788211, ClinGen allele CA343265078.

ClinVar aggregate classification (germline): Uncertain significance (1 of 4 stars; one submission).

Conditions:
Peroxisome biogenesis disorder 12A (Zellweger). Also called: Peroxisome biogenesis disorder 12A. Identifiers: Orphanet 912, MedGen C3554002, MONDO:0013951, OMIM 614886.

Submission:

Labcorp Genetics (formerly Invitae), Labcorp
Classification: Uncertain significance for Peroxisome biogenesis disorder 12A (Zellweger). Last evaluated: 2022-02-04. Review status: criteria provided, single submitter. Criteria: Invitae Variant Classification Sherloc (09022015). Collection method: clinical testing. Allele origin: germline.
Comment: This variant has not been reported in the literature in individuals affected with PEX19-related conditions. This variant is not present in population databases (gnomAD no frequency). This sequence change replaces alanine, which is neutral and non-polar, with serine, which is neutral and polar, at codon 32 of the PEX19 protein (p.Ala32Ser). Algorithms developed to predict the effect of missense changes on protein structure and function (SIFT, PolyPhen-2, Align-GVGD) all suggest that this variant is likely to be tolerated. In summary, the available evidence is currently insufficient to determine the role of this variant in disease. Therefore, it has been classified as a Variant of Uncertain Significance.